The following is an entry in ClinVar:

ClinVar aggregate classification (germline): Uncertain significance (1 of 4 stars; one submission).

Conditions:
Cystic fibrosis (CF). Also called: MUCOVISCIDOSIS. Identifiers: Orphanet 586, MedGen C0010674, MONDO:0009061, OMIM 219700. Disease mechanism: loss of function.

Submission:

Labcorp Genetics (formerly Invitae), Labcorp
Classification: Uncertain significance for Cystic fibrosis. Last evaluated: 2023-06-09. Review status: criteria provided, single submitter. Criteria: Invitae Variant Classification Sherloc (09022015). Collection method: clinical testing. Allele origin: germline.
Comment: This variant has not been reported in the literature in individuals affected with CFTR-related conditions. Advanced modeling of protein sequence and biophysical properties (such as structural, functional, and spatial information, amino acid conservation, physicochemical variation, residue mobility, and thermodynamic stability) performed at Invitae indicates that this missense variant is expected to disrupt CFTR protein function. In summary, the available evidence is currently insufficient to determine the role of this variant in disease. Therefore, it has been classified as a Variant of Uncertain Significance. This variant is not present in population databases (gnomAD no frequency). This sequence change replaces leucine, which is neutral and non-polar, with isoleucine, which is neutral and non-polar, at codon 812 of the CFTR protein (p.Leu812Ile).

NM_000492.4(CFTR):c.2434T>A (p.Leu812Ile)

Gene: CFTR (CF transmembrane conductance regulator; plus strand). Cytogenetic location: 7q31.2.
Variant type: single nucleotide variant.
Coding change: c.2434T>A on transcript NM_000492.4 (MANE Select); coding-DNA position 2434, T replaced by A.
Protein change: p.Leu812Ile; replaces leucine 812 with isoleucine.
Molecular consequence: missense variant.
Genome position (GRCh38, 1-based): chr7:117,592,601, T>A. VCF-style: chr7-117592601-T-A. GRCh37 (hg19) VCF-style: chr7-117232655-T-A.
Other names: short protein forms L812I.
Identifiers: ClinVar variation 2699566 (VCV002699566.3), dbSNP rs1792050412, ClinGen allele CA368981274.